The following is an entry in ClinVar:

ClinVar aggregate classification (germline): Likely benign. Review status: criteria provided, multiple submitters, no conflicts (2 of 4 stars). 2 submissions from 2 submitters: Likely benign (2). Last evaluated 2018-06-16.

Allele frequency attached by ClinVar (database versions not stated): 1000 Genomes Project 0.00659; 1000 Genomes Project 30x 0.00750; TOPMed 0.01278; gnomAD 0.01556 and 0.01591; gnomAD exomes 0.02115.
gnomAD v4.1: 19,918 of 983,966 alleles (2%); highest among the groups gnomAD compares: Non-Finnish European, 2.4%; 234 homozygotes.

Submissions (2):

GeneDx
Classification: Likely benign. Last evaluated: 2018-06-16. Review status: criteria provided, single submitter. Criteria: GeneDx Variant Classification (06012015). Collection method: clinical testing. Allele origin: germline. Affected: yes.
Comment: This variant is considered likely benign or benign based on one or more of the following criteria: it is a conservative change, it occurs at a poorly conserved position in the protein, it is predicted to be benign by multiple in silico algorithms, and/or has population frequency not consistent with disease.

Breakthrough Genomics
Classification: Likely benign. Review status: criteria provided, single submitter. Criteria: ACMG Guidelines, 2015. Collection method: not provided. Allele origin: germline. Inheritance: Autosomal recessive inheritance. Affected: yes.

NM_021100.5(NFS1):c.208-71G>C

Gene: NFS1 (NFS1 cysteine desulfurase; minus strand). Cytogenetic location: 20q11.22.
Variant type: single nucleotide variant.
Coding change: c.208-71G>C on transcript NM_021100.5 (MANE Select); 71 bases into the intron before coding-DNA position 208, G replaced by C.
Molecular consequence: intron variant.
Genome position (GRCh38, 1-based): chr20:35,697,871, C>G on the plus strand (G>C on the coding strand, the complement: NFS1 is on the minus strand). VCF-style: chr20-35697871-C-G. GRCh37 (hg19) VCF-style: chr20-34285793-C-G.
Other names: c.208-71G>C (NM_001198989.2).
Identifiers: ClinVar variation 674585 (VCV000674585.2), dbSNP rs62211676, ClinGen allele CA14843177.